The following is an entry in ClinVar:

NM_000488.4(SERPINC1):c.235C>A (p.Arg79Ser)

Gene: SERPINC1 (serpin family C member 1; minus strand). Cytogenetic location: 1q25.1.
Variant type: single nucleotide variant.
Coding change: c.235C>A on transcript NM_000488.4 (MANE Select); coding-DNA position 235, C replaced by A.
Protein change: p.Arg79Ser; replaces arginine 79 with serine.
Molecular consequence: missense variant.
Genome position (GRCh38, 1-based): chr1:173,914,726, G>T on the plus strand (C>A on the coding strand, the complement: SERPINC1 is on the minus strand). VCF-style: chr1-173914726-G-T. GRCh37 (hg19) VCF-style: chr1-173883864-G-T.
Other names: R47S; NM_000488.4(SERPINC1):c.235C>A; c.91C>A, p.Arg31Ser (NM_001365052.2); c.235C>A, p.Arg79Ser (NM_001386302.1, NM_001386304.1, NM_001386305.1 and 1 more transcripts); c.316C>A, p.Arg106Ser (NM_001386303.1); short protein forms R79S, R31S, R106S.
Identifiers: ClinVar variation 18015 (VCV000018015.2), dbSNP rs121909547, ClinGen allele CA210760.
Genomic context (GRCh38, chr1:173,914,726, plus strand): 5'-CCAGGTGCTGATAGAAAGTGGTAGCAAAGCGGGAATTGGCCTTGGACAGTTCCCAGACAC[G>T]CCGGTTGGTGGCCTCCGGGATCTTCTGTTCTGAGCCCTCATCCTCAGTTGCCTTCTTCTC-3'
Protein context (NP_000479.1, residues 69-89): EQKIPEATNR[Arg79Ser]VWELSKANSR

ClinVar aggregate classification (germline): Likely pathogenic. Review status: reviewed by expert panel (3 of 4 stars). 2 submissions from 2 submitters: Likely pathogenic (1). 1 of the submissions does not count toward it. Last evaluated 2024-05-09.

Conditions:
Hereditary antithrombin deficiency (AT3D). Also called: Antithrombin III deficiency; Thrombophilia due to antithrombin III deficiency; Reduced antithrombin III activity; Antithrombin deficiency. Identifiers: Orphanet 82, MedGen C0272375, MONDO:0013144, OMIM 613118, HP:0001976.

Submissions (2):

Clingen Thrombosis Variant Curation Expert Panel, ClinGen
Classification: Likely pathogenic for Hereditary antithrombin deficiency. Last evaluated: 2024-05-09. Review status: reviewed by expert panel. Criteria: ClinGen ACMG Specifications SERPINC1 V1.0.0. Collection method: curation. Allele origin: germline. Inheritance: Autosomal dominant inheritance.
Comment: The c.235C>A variant in SEPRINC1 is a missense variant predicted to cause substitution of arginine by serine at amino acid 79 (p.Arg79Ser). This variant has been reported in one family with an abnormal crossed immunoelectrophoresis assay demonstrating decreased antithrombin function. (PS4_Supporting; PMID:3350974). This variant is absent from gnomAD v[2.1.1] (PM2_Supporting). This variant resides within a region, Arg79, of SERPINC1 that is defined as a critical functional domain that would impact heparin binding site residues by the ClinGen Thrombosis Variant Curation Expert Panel (PM1). Another missense variant c.236G>A (p.Arg79His) (ClinVarID:18014) in the same codon has been classified as pathogenic for hereditary antithrombin deficiency by the ClinGen Thrombosis Variant Curation Expert Panel (PM5). The computational predictor REVEL gives a score of 0.718, which is above the threshold of 0.6, evidence that correlates with impact to SERPINC1 function (PP3). In summary, this variant meets the criteria to be classified as likely pathogenic for autosomal dominant hereditary antithrombin deficiency based on the ACMG/AMP criteria applied, as specified by the ClinGen Thrombosis Variant Curation Expert Panel: PM1, PM5, PP3, PM2_Supporting, PS4_Supporting. (Required: ClinGen Thrombosis Expert Panel Specifications to the ACMG/AMP Variant Interpretation Guidelines for SERPINC1 Version 1.0.0; date of approval)

OMIM
Classification: Pathogenic for THROMBOPHILIA DUE TO ANTITHROMBIN III DEFICIENCY. Last evaluated: 1990-06-18. Review status: no assertion criteria provided. Collection method: literature only. Allele origin: germline. Not counted in ClinVar's aggregate classification.

Literature cited by the submitters: PubMed 2365065 (cited by OMIM).